The following is an entry in ClinVar:

NM_002480.3(PPP1R12A):c.2586T>C (p.Ser862=)

Gene: PPP1R12A (protein phosphatase 1 regulatory subunit 12A; minus strand). Cytogenetic location: 12q21.2.
Variant type: single nucleotide variant.
Coding change: c.2586T>C on transcript NM_002480.3 (MANE Select); coding-DNA position 2586, T replaced by C.
Protein change: p.Ser862=; no amino-acid change (serine 862 retained).
Molecular consequence: synonymous variant.
Genome position (GRCh38, 1-based): chr12:79,793,926, A>G on the plus strand (T>C on the coding strand, the complement: PPP1R12A is on the minus strand). VCF-style: chr12-79793926-A-G. GRCh37 (hg19) VCF-style: chr12-80187706-A-G.
Other names: c.2586T>C, p.Ser862= (NM_001143885.2, NM_001244990.2); c.2325T>C, p.Ser775= (NM_001143886.2); c.2418T>C, p.Ser806= (NM_001244992.1).
Identifiers: ClinVar variation 3351228 (VCV003351228.1).

ClinVar aggregate classification (germline): Likely benign (0 of 4 stars; one submission).

Conditions:
PPP1R12A-related disorder. Also called: PPP1R12A-related condition.

gnomAD v4.1: 8 of 1,559,616 alleles (0.00051%); highest among the groups gnomAD compares: Non-Finnish European, 0.00069%; no homozygotes.

Submission:

PreventionGenetics, part of Exact Sciences
Classification: Likely benign for PPP1R12A-related condition. Last evaluated: 2024-08-29. Review status: no assertion criteria provided. Collection method: clinical testing. Allele origin: germline.
Comment: This variant is classified as likely benign based on ACMG/AMP sequence variant interpretation guidelines (Richards et al. 2015 PMID: 25741868, with internal and published modifications).